The following is an entry in ClinVar:

NM_001130969.3(NSMF):c.1382T>C (p.Met461Thr)

Genes: NSMF (NMDA receptor synaptonuclear signaling and neuronal migration factor; minus strand), LOC126860797 (MED14-independent group 3 enhancer GRCh37_chr9:140343721-140344920; plus strand). Cytogenetic location: 9q34.3.
Variant type: single nucleotide variant.
Coding change: c.1382T>C on transcript NM_001130969.3 (MANE Select); coding-DNA position 1382, T replaced by C.
Protein change: p.Met461Thr; replaces methionine 461 with threonine.
Molecular consequence: missense variant.
Genome position (GRCh38, 1-based): chr9:137,449,960, A>G on the plus strand (T>C on the coding strand, the complement: NSMF is on the minus strand). VCF-style: chr9-137449960-A-G. GRCh37 (hg19) VCF-style: chr9-140344412-A-G.
Other names: c.1313T>C, p.Met438Thr (NM_001130970.2); c.1307T>C, p.Met436Thr (NM_001130971.2); c.1292T>C, p.Met431Thr (NM_001178064.2); c.1376T>C, p.Met459Thr (NM_015537.5); short protein forms M431T, M436T, M438T, M459T, M461T.
Identifiers: ClinVar variation 4681402 (VCV004681402.5).

ClinVar aggregate classification (germline): Uncertain significance (1 of 4 stars; one submission).

Submission:

CeGaT Center for Human Genetics Tuebingen
Classification: Uncertain significance. Last evaluated: 2025-12-01. Review status: criteria provided, single submitter. Criteria: CeGaT Center For Human Genetics Tuebingen Variant Classification Criteria Version 2. Collection method: clinical testing. Allele origin: germline. Affected: yes. Observed: 1 variant allele.
Comment: NSMF: PM2